The following is an entry in ClinVar:

ClinVar aggregate classification (germline): Uncertain significance. Review status: criteria provided, multiple submitters, no conflicts (2 of 4 stars). 2 submissions from 2 submitters: Uncertain significance (2). Last evaluated 2025-08-18.

Conditions:
Inborn genetic diseases. Identifiers: MedGen C0950123, MeSH D030342.
Hyperkalemic periodic paralysis. Also called: Familial hyperkalemic periodic paralysis; Gamstorp disease. Identifiers: Orphanet 682, MedGen C0238357, MONDO:0008224, OMIM 170500, HP:0007215.

Allele frequency attached by ClinVar (database versions not stated): TOPMed 0.00001; gnomAD 0.00003; gnomAD exomes 0.00003.
gnomAD v4.1: 48 of 1,613,838 alleles (0.003%); highest among the groups gnomAD compares: Non-Finnish European, 0.0036%; no homozygotes.

Submissions (2):

Labcorp Genetics (formerly Invitae), Labcorp
Classification: Uncertain significance for Hyperkalemic periodic paralysis. Last evaluated: 2025-08-18. Review status: criteria provided, single submitter. Criteria: Invitae Variant Classification Sherloc (09022015). Collection method: clinical testing. Allele origin: germline.
Comment: This sequence change replaces threonine, which is neutral and polar, with methionine, which is neutral and non-polar, at codon 293 of the SCN4A protein (p.Thr293Met). This variant is present in population databases (rs747481717, gnomAD 0.006%). This variant has not been reported in the literature in individuals affected with SCN4A-related conditions. ClinVar contains an entry for this variant (Variation ID: 1498272). Invitae Evidence Modeling of protein sequence and biophysical properties (such as structural, functional, and spatial information, amino acid conservation, physicochemical variation, residue mobility, and thermodynamic stability) indicates that this missense variant is not expected to disrupt SCN4A protein function with a negative predictive value of 95%. In summary, the available evidence is currently insufficient to determine the role of this variant in disease. Therefore, it has been classified as a Variant of Uncertain Significance.

Ambry Genetics
Classification: Uncertain significance for Inborn genetic diseases. Last evaluated: 2025-08-08. Review status: criteria provided, single submitter. Criteria: Ambry Variant Classification Scheme 2023. Collection method: clinical testing. Allele origin: germline.

NM_000334.4(SCN4A):c.878C>T (p.Thr293Met)

Gene: SCN4A (sodium voltage-gated channel alpha subunit 4; minus strand). Cytogenetic location: 17q23.3.
Variant type: single nucleotide variant.
Coding change: c.878C>T on transcript NM_000334.4 (MANE Select); coding-DNA position 878, C replaced by T.
Protein change: p.Thr293Met; replaces threonine 293 with methionine.
Molecular consequence: missense variant.
Genome position (GRCh38, 1-based): chr17:63,968,181, G>A on the plus strand (C>T on the coding strand, the complement: SCN4A is on the minus strand). VCF-style: chr17-63968181-G-A. GRCh37 (hg19) VCF-style: chr17-62045541-G-A.
Other names: short protein forms T293M.
Identifiers: ClinVar variation 1498272 (VCV001498272.9), dbSNP rs747481717, ClinGen allele CA8710013.